The following is an entry in ClinVar:

ClinVar aggregate classification (germline): Uncertain significance (1 of 4 stars; one submission).

Submission:

GeneDx
Classification: Uncertain significance. Last evaluated: 2015-12-07. Review status: criteria provided, single submitter. Criteria: GeneDx Variant Classification (06012015). Collection method: clinical testing. Allele origin: germline. Affected: yes.
Comment: The H466Y variant has not been published as a pathogenic variant, nor has it been reported as a benign variant to our knowledge. This variant was not observed in approximately 6,500 individuals of European and African American ancestry in the NHLBI Exome Sequencing Project, indicating it is not a common benign variant in these populations. The H466Y variant is a non-conservative amino acid substitution, which is likely to impact secondary protein structure as these residues differ in polarity, charge, size and/or other properties. This substitution occurs at a position that is conserved across species and in silico analysis predicts this variant is probably damaging to the protein structure/function. However, no missense variants in nearby residues have been reported in the Human Gene Mutation Database (Stenson et al., 2014), indicating this region of the gene is not known to harbor disease-causing variants. Therefore, based on the currently available information, it is unclear whether this variant is pathogenic or rare benign.

NM_002880.4(RAF1):c.1396C>T (p.His466Tyr)

Gene: RAF1 (Raf-1 proto-oncogene, serine/threonine kinase; minus strand). Cytogenetic location: 3p25.2.
Variant type: single nucleotide variant.
Coding change: c.1396C>T on transcript NM_002880.4 (MANE Select); coding-DNA position 1396, C replaced by T.
Protein change: p.His466Tyr; replaces histidine 466 with tyrosine.
Molecular consequence: missense variant. On other transcripts: non-coding transcript variant (3).
Genome position (GRCh38, 1-based): chr3:12,587,612, G>A on the plus strand (C>T on the coding strand, the complement: RAF1 is on the minus strand). VCF-style: chr3-12587612-G-A. GRCh37 (hg19) VCF-style: chr3-12629111-G-A.
Other names: c.1456C>T, p.His486Tyr (NM_001354689.3); c.1396C>T, p.His466Tyr (NM_001354690.3); c.1153C>T, p.His385Tyr (NM_001354691.3, NM_001354692.3); c.1297C>T, p.His433Tyr (NM_001354693.3); c.1213C>T, p.His405Tyr (NM_001354694.3); c.1054C>T, p.His352Tyr (NM_001354695.3); short protein forms H466Y, H385Y, H405Y, H352Y, H433Y, H486Y.
Identifiers: ClinVar variation 280164 (VCV000280164.2), dbSNP rs886041423, ClinGen allele CA10602873.